The following is an entry in ClinVar:

ClinVar aggregate classification (germline): Likely benign. Review status: criteria provided, single submitter (1 of 4 stars). 2 submissions from 2 submitters: Likely benign (1). 1 of the submissions does not count toward it. Last evaluated 2024-10-15.

Conditions:
CENPF-related disorder. Also called: CENPF-related condition.

Allele frequency attached by ClinVar (database versions not stated): gnomAD 0.00018; TOPMed 0.00023; 1000 Genomes Project 30x 0.00031; 1000 Genomes Project 0.00040; ExAC 0.00041.

Submissions (2):

Blueprint Genetics
Classification: Likely benign. Last evaluated: 2024-10-15. Review status: criteria provided, single submitter. Criteria: ACMG Guidelines, 2015. Collection method: clinical testing. Allele origin: germline.

PreventionGenetics, part of Exact Sciences
Classification: Likely benign for CENPF-related condition. Last evaluated: 2019-12-16. Review status: no assertion criteria provided. Collection method: clinical testing. Allele origin: germline. Not counted in ClinVar's aggregate classification.
Comment: This variant is classified as likely benign based on ACMG/AMP sequence variant interpretation guidelines (Richards et al. 2015 PMID: 25741868, with internal and published modifications).

NM_016343.4(CENPF):c.3757A>T (p.Met1253Leu)

Gene: CENPF (centromere protein F; plus strand). Cytogenetic location: 1q41.
Variant type: single nucleotide variant.
Coding change: c.3757A>T on transcript NM_016343.4 (MANE Select); coding-DNA position 3757, A replaced by T.
Protein change: p.Met1253Leu; replaces methionine 1253 with leucine.
Molecular consequence: missense variant.
Genome position (GRCh38, 1-based): chr1:214,642,095, A>T. VCF-style: chr1-214642095-A-T. GRCh37 (hg19) VCF-style: chr1-214815438-A-T.
Other names: short protein forms M1253L.
Identifiers: ClinVar variation 3048940 (VCV003048940.3), dbSNP rs201651380, ClinGen allele CA1390460.